The following is an entry in ClinVar:

ClinVar aggregate classification (germline): Pathogenic (1 of 4 stars; one submission).

Conditions:
Neuronal ceroid lipofuscinosis 7 (CLN7). Also called: MFSD8-Related Neuronal Ceroid-Lipofuscinosis. Identifiers: Orphanet 168491, Orphanet 228366, MedGen C1838571, MONDO:0012588, OMIM 610951.

Submission:

Labcorp Genetics (formerly Invitae), Labcorp
Classification: Pathogenic for Neuronal ceroid lipofuscinosis 7. Last evaluated: 2022-02-11. Review status: criteria provided, single submitter. Criteria: Invitae Variant Classification Sherloc (09022015). Collection method: clinical testing. Allele origin: germline.
Comment: For these reasons, this variant has been classified as Pathogenic. This variant has not been reported in the literature in individuals affected with MFSD8-related conditions. This variant is not present in population databases (gnomAD no frequency). This sequence change creates a premature translational stop signal (p.Phe281Serfs*12) in the MFSD8 gene. It is expected to result in an absent or disrupted protein product. Loss-of-function variants in MFSD8 are known to be pathogenic (PMID: 19177532, 25227500, 28586915).

Literature cited by the submitters: PubMed 19177532; PubMed 25227500; PubMed 28586915.

NM_001371596.2(MFSD8):c.842_845del (p.Phe281fs)

Gene: MFSD8 (major facilitator superfamily domain containing 8; minus strand). Cytogenetic location: 4q28.2.
Variant type: Deletion.
Coding change: c.842_845del on transcript NM_001371596.2 (MANE Select); coding-DNA positions 842 to 845, 4 bases deleted (TTAT; older notation c.842_845delTTAT).
Protein change: p.Phe281fs; shifts the reading frame from phenylalanine 281.
Molecular consequence: frameshift variant.
Genome position (GRCh38, 1-based): chr4:127,933,003-127,933,006, ATAA deleted on the plus strand (TTAT on the coding strand, the reverse complement: MFSD8 is on the minus strand); deleting any 4 consecutive bases within chr4:127,933,003-127,933,009 gives the same sequence; the c. name uses the placement nearest the transcript's 3' end. VCF-style (leftmost placement, unchanged base first): chr4-127933002-GATAA-G. GRCh37 (hg19) VCF-style: chr4-128854157-GATAA-G.
Other names: c.638_641delTATT, p.Phe214Serfs (NM_001363520.3); c.524_527delTATT, p.Phe176Serfs (NM_001363521.3); c.704_707delTATT, p.Phe236Serfs (NM_001371590.2); c.839_842delTATT, p.Phe281Serfs (NM_001371591.2); c.845_848delTATT, p.Phe283Serfs (NM_001371592.2); c.725_728delTATT, p.Phe243Serfs (NM_001371593.2, NM_001410766.1); c.692_695delTATT, p.Phe232Serfs (NM_001371594.2); c.560_563del, p.Phe187fs (NM_001371595.1); and 2 more; short protein forms F187fs, F214fs, F232fs, F283fs, F243fs, F176fs, F236fs, F281fs.
Identifiers: ClinVar variation 2145765 (VCV002145765.4), dbSNP rs1738418070, ClinGen allele CA1067853155.